The following is an entry in ClinVar:

ClinVar aggregate classification (germline): Uncertain significance (1 of 4 stars; one submission).

gnomAD v4.1: 2 of 1,613,848 alleles (0.00012%); no homozygotes.

Submission:

Labcorp Genetics (formerly Invitae), Labcorp
Classification: Uncertain significance. Last evaluated: 2024-10-15. Review status: criteria provided, single submitter. Criteria: Invitae Variant Classification Sherloc (09022015). Collection method: clinical testing. Allele origin: germline.
Comment: This sequence change replaces aspartic acid, which is acidic and polar, with glutamic acid, which is acidic and polar, at codon 894 of the INPPL1 protein (p.Asp894Glu). This variant is not present in population databases (gnomAD no frequency). This variant has not been reported in the literature in individuals affected with INPPL1-related conditions. ClinVar contains an entry for this variant (Variation ID: 2135613). An algorithm developed to predict the effect of missense changes on protein structure and function (PolyPhen-2) suggests that this variant is likely to be disruptive. In summary, the available evidence is currently insufficient to determine the role of this variant in disease. Therefore, it has been classified as a Variant of Uncertain Significance.

NM_001567.4(INPPL1):c.2682T>A (p.Asp894Glu)

Gene: INPPL1 (inositol polyphosphate phosphatase like 1; plus strand). Cytogenetic location: 11q13.4.
Variant type: single nucleotide variant.
Coding change: c.2682T>A on transcript NM_001567.4 (MANE Select); coding-DNA position 2682, T replaced by A.
Protein change: p.Asp894Glu; replaces aspartic acid 894 with glutamic acid.
Molecular consequence: missense variant.
Genome position (GRCh38, 1-based): chr11:72,235,697, T>A. VCF-style: chr11-72235697-T-A. GRCh37 (hg19) VCF-style: chr11-71946741-T-A.
Other names: short protein forms D894E.
Identifiers: ClinVar variation 2135613 (VCV002135613.4), dbSNP rs1041186915, ClinGen allele CA381736222.